The following is an entry in ClinVar:

ClinVar aggregate classification (germline): Pathogenic/Likely pathogenic. Review status: criteria provided, multiple submitters, no conflicts (2 of 4 stars). 11 submissions from 11 submitters: Pathogenic (7); Likely pathogenic (3). 1 of the submissions does not count toward it. Last evaluated 2026-01-30.

Conditions:
Autosomal recessive limb-girdle muscular dystrophy type 2A (LGMDR1). Also called: Calpainopathy; Muscular dystrophy, limb-girdle, type 2A, Amish; LEYDEN-MOEBIUS MUSCULAR DYSTROPHY; MUSCULAR DYSTROPHY, PELVOFEMORAL; Limb-girdle muscular dystrophy, type 2A. Identifiers: Orphanet 267, MedGen C1869123, MONDO:0009675, OMIM 253600. Disease mechanism: loss of function.
Muscular dystrophy, limb-girdle, autosomal dominant 4. Also called: MUSCULAR DYSTROPHY, LIMB-GIRDLE, TYPE 1I; Calpain-3-related limb-girdle muscular dystrophy D4. Identifiers: Orphanet 565909, MedGen C4748295, MONDO:0029133, OMIM 618129.
Autosomal recessive limb-girdle muscular dystrophy. Identifiers: Orphanet 102015, MedGen C2931907, MONDO:0015152.

Allele frequency attached by ClinVar (database versions not stated): gnomAD exomes 0.00004 and 0.00002; ExAC 0.00002; TOPMed 0.00002; gnomAD 0.00004; ESP Exome Variant Server 0.00008; 1000 Genomes Project 30x 0.00016; 1000 Genomes Project 0.00020.
gnomAD v4.1: 34 of 1,613,124 alleles (0.0021%); highest among the groups gnomAD compares: East Asian, 0.0067%; no homozygotes.

Submissions (11):

Natera, Inc.
Classification: Pathogenic for Limb-girdle muscular dystrophy type 2A. Last evaluated: 2026-01-30. Review status: criteria provided, single submitter. Criteria: Natera Variant Classification Schema (03/2026). Collection method: clinical testing. Allele origin: germline.
Comment: The c.1817C>T variant in CAPN3 is a missense variant predicted to cause substitution of serine to leucine at amino acid 606. This variant is rare in the general population with a frequency below the threshold expected for the associated phenotype(s). This variant has been observed in one or more individuals affected with the associated recessive disease, as either homozygous or compound heterozygous with a second variant (PMID: 15843148, 25046369, 15689361). Computational prediction algorithms indicate this variant is likely to affect gene or protein function. Given the available evidence, this variant is classified as Pathogenic.

Labcorp Genetics (formerly Invitae), Labcorp
Classification: Pathogenic for Autosomal recessive limb-girdle muscular dystrophy type 2A. Last evaluated: 2025-12-30. Review status: criteria provided, single submitter. Criteria: Invitae Variant Classification Sherloc (09022015). Collection method: clinical testing. Allele origin: germline.
Comment: This sequence change replaces serine, which is neutral and polar, with leucine, which is neutral and non-polar, at codon 606 of the CAPN3 protein (p.Ser606Leu). This variant is present in population databases (rs199806879, gnomAD 0.03%). This missense change has been observed in individual(s) with autosomal recessive limb-girdle muscular dystrophy (PMID: 9150160, 11245732, 15689361, 15843148, 32576226, 33337384). ClinVar contains an entry for this variant (Variation ID: 289372). Invitae Evidence Modeling of protein sequence and biophysical properties (such as structural, functional, and spatial information, amino acid conservation, physicochemical variation, residue mobility, and thermodynamic stability) has been performed for this missense variant. However, the output from this modeling did not meet the statistical confidence thresholds required to predict the impact of this variant on CAPN3 protein function. For these reasons, this variant has been classified as Pathogenic.

Baylor Genetics
Classification: Pathogenic for Muscular dystrophy, limb-girdle, autosomal dominant 4. Last evaluated: 2024-03-20. Review status: criteria provided, single submitter. Criteria: ACMG Guidelines, 2015. Collection method: clinical testing. Allele origin: unknown.

Athena Diagnostics
Classification: Pathogenic. Last evaluated: 2023-12-21. Review status: criteria provided, single submitter. Criteria: Athena Diagnostics Criteria. Collection method: clinical testing. Allele origin: unknown.
Comment: The frequency of this variant in the general population is consistent with pathogenicity. This variant has been identified in multiple unrelated individuals and segregates with disease in at least one family. In multiple individuals, this variant has been seen with a single recessive pathogenic variant in the same gene, suggesting this variant may also be pathogenic. Computational tools predict that this variant is damaging.

Revvity Omics, Revvity
Classification: Pathogenic. Last evaluated: 2023-11-16. Review status: criteria provided, single submitter. Criteria: ACMG Guidelines, 2015. Collection method: clinical testing. Allele origin: germline.

Women's Health and Genetics/Laboratory Corporation of America, LabCorp
Classification: Pathogenic for Autosomal recessive limb-girdle muscular dystrophy. Last evaluated: 2023-08-16. Review status: criteria provided, single submitter. Criteria: LabCorp Variant Classification Summary - May 2015. Collection method: clinical testing. Allele origin: germline.
Comment: Variant summary: CAPN3 c.1817C>T (p.Ser606Leu) results in a non-conservative amino acid change in the encoded protein sequence. Four of five in-silico tools predict a damaging effect of the variant on protein function. The variant allele was found at a frequency of 4.4e-05 in 251392 control chromosomes. This frequency is not significantly higher than estimated for a pathogenic variant in CAPN3 causing Limb-Girdle Muscular Dystrophy, Autosomal Recessive (4.4e-05 vs 0.0032), allowing no conclusion about variant significance. c.1817C>T has been reported in the literature in multiple individuals affected with Limb-Girdle Muscular Dystrophy, Autosomal Recessive (Example: Saenz_2005, Richard_1997, Pathak_2021, Jenne_2005). These data indicate that the variant is very likely to be associated with disease. To our knowledge, no experimental evidence demonstrating an impact on protein function has been reported. The following publications have been ascertained in the context of this evaluation (PMID: 15843148, 33337384, 9150160, 15689361). Six submitters have cited clinical-significance assessments for this variant to ClinVar after 2014. All submitters classified the variant as pathogenic/likely pathogenic citing overlapping evidence utilized in the context of this evaluation. Based on the evidence outlined above, the variant was classified as pathogenic.

Fulgent Genetics
Classification: Likely pathogenic for Autosomal recessive limb-girdle muscular dystrophy type 2A; Muscular dystrophy, limb-girdle, autosomal dominant 4. Last evaluated: 2018-10-31. Review status: criteria provided, single submitter. Criteria: ACMG Guidelines, 2015. Collection method: clinical testing. Allele origin: unknown.

Eurofins Ntd Llc (ga)
Classification: Likely pathogenic. Last evaluated: 2016-11-02. Review status: criteria provided, single submitter. Criteria: EGL Classification Definitions 2015. Collection method: clinical testing. Allele origin: germline. Observed: 4 variant alleles, 4 heterozygotes.

Juno Genomics, Hangzhou Juno Genomics, Inc
Classification: Pathogenic for Muscular dystrophy, limb-girdle, autosomal dominant 4; Autosomal recessive limb-girdle muscular dystrophy type 2A. Review status: criteria provided, single submitter. Criteria: ACMG Guidelines, 2015. Collection method: clinical testing. Allele origin: germline.
Comment: Absent from controls (or at extremely low frequency if recessive) in Genome Aggregation Database.;For recessive disorders, detected in trans with a pathogenic variant.;Co-segregation with disease in multiple affected family members.

Neuberg Centre For Genomic Medicine, NCGM
Classification: Likely pathogenic for Autosomal recessive limb-girdle muscular dystrophy type 2A. Review status: criteria provided, single submitter. Criteria: ACMG Guidelines, 2015. Collection method: clinical testing. Allele origin: germline. Inheritance: Autosomal recessive inheritance. Affected: yes.
Comment: The missense variant c.1817C>T (p.Ser606Leu) in CAPN3 gene has been observed in the homozygous state to segregate with limb-girdle muscular dystrophy (LGMD) in a family (Jenne et al. 2005), and in combination with another CAPN3 variant in several individuals affected with LGMD (Sáenz et al. 2005). This variant has been reported to the ClinVar database with conflicting interpretations of pathogenicity as Pathogenic/Likely Pathogenic. This variant is present in the gnomAD exomes database with a frequency of 0.004%. The amino acid Ser at position 606 is changed to a Leu changing protein sequence and it might alter its composition and physico-chemical properties. The variant is predicted to be damaging by SIFT and PolyPhen2 and the residue is conserved across species. The amino acid change p.Ser606Leu in CAPN3 is predicted as conserved by GERP++ and PhyloP across 100 vertebrates. For these reasons, this variant has been classified as Likely Pathogenic.

Counsyl
Classification: Likely pathogenic for Autosomal recessive limb-girdle muscular dystrophy type 2A. Last evaluated: 2017-12-11. Review status: no assertion criteria provided. Collection method: clinical testing. Allele origin: unknown. Not counted in ClinVar's aggregate classification.

Literature cited by the submitters: PubMed 15843148 (cited by 5 submitters); PubMed 25046369 (cited by 3 submitters); PubMed 15689361 (cited by 5 submitters); PubMed 9150160 (cited by 4 submitters); PubMed 11245732 (cited by Labcorp Genetics (formerly Invitae), Labcorp and Athena Diagnostics); PubMed 32576226 (cited by Labcorp Genetics (formerly Invitae), Labcorp and Athena Diagnostics); PubMed 33337384 (cited by Labcorp Genetics (formerly Invitae), Labcorp and Women's Health and Genetics/Laboratory Corporation of America, LabCorp); PubMed 17994539 (cited by Athena Diagnostics and Counsyl); PubMed 16141003 (cited by Athena Diagnostics); PubMed 37974208 (cited by Athena Diagnostics); PubMed 29970176 (cited by Athena Diagnostics); PubMed 10330340 (cited by Athena Diagnostics).

NM_000070.3(CAPN3):c.1817C>T (p.Ser606Leu)

Gene: CAPN3 (calpain 3; plus strand). Cytogenetic location: 15q15.1.
Variant type: single nucleotide variant.
Coding change: c.1817C>T on transcript NM_000070.3 (MANE Select); coding-DNA position 1817, C replaced by T.
Protein change: p.Ser606Leu; replaces serine 606 with leucine.
Molecular consequence: missense variant. On other transcripts: intron variant (3).
Genome position (GRCh38, 1-based): chr15:42,408,227, C>T. VCF-style: chr15-42408227-C-T. GRCh37 (hg19) VCF-style: chr15-42700425-C-T.
Other names: c.1799C>T, p.Ser600Leu (NM_024344.2); c.281C>T, p.Ser94Leu (NM_173088.2); c.1639-1076C>T (NM_173087.2); c.-81-1076C>T (NM_173090.2, NM_173089.2); short protein forms S606L, S600L, S94L.
Identifiers: ClinVar variation 289372 (VCV000289372.28), dbSNP rs199806879, ClinGen allele CA7511567.